The following is an entry in ClinVar:

NM_017617.5(NOTCH1):c.3551T>C (p.Ile1184Thr)

Gene: NOTCH1 (notch receptor 1; minus strand). Cytogenetic location: 9q34.3.
Variant type: single nucleotide variant.
Coding change: c.3551T>C on transcript NM_017617.5 (MANE Select); coding-DNA position 3551, T replaced by C.
Protein change: p.Ile1184Thr; replaces isoleucine 1184 with threonine.
Molecular consequence: missense variant.
Genome position (GRCh38, 1-based): chr9:136,507,397, A>G on the plus strand (T>C on the coding strand, the complement: NOTCH1 is on the minus strand). VCF-style: chr9-136507397-A-G. GRCh37 (hg19) VCF-style: chr9-139401849-A-G.
Other names: short protein forms I1184T.
Identifiers: ClinVar variation 1957041 (VCV001957041.5), dbSNP rs1843105924, ClinGen allele CA375549994.
Genomic context (GRCh38, chr9:136,507,397, plus strand): 5'-GTGTTGGGGAGGTCGAGGCAGGTGCCCCCGTTCTGGCAGGGGTGGGAGAGGCACTCGTCG[A>G]TCTCCTCAGAGCAGTTCACCCCGTGGTAGCCGGCCACGCACTGTGCAGGCGACAGAACGA-3'
Protein context (NP_060087.3, residues 1174-1194): GYHGVNCSEE[Ile1184Thr]DECLSHPCQN

ClinVar aggregate classification (germline): Uncertain significance (1 of 4 stars; one submission).

Conditions:
Adams-Oliver syndrome 5 (AOS5). Identifiers: Orphanet 974, MedGen C4014970, MONDO:0014459, OMIM 616028.

Allele frequency attached by ClinVar (database versions not stated): gnomAD exomes below 0.00001.
gnomAD v4.1: 2 of 1,611,526 alleles (0.00012%); highest among the groups gnomAD compares: Non-Finnish European, 0.00017%; no homozygotes.

Submission:

Labcorp Genetics (formerly Invitae), Labcorp
Classification: Uncertain significance for Adams-Oliver syndrome 5. Last evaluated: 2024-11-30. Review status: criteria provided, single submitter. Criteria: Invitae Variant Classification Sherloc (09022015). Collection method: clinical testing. Allele origin: germline.
Comment: This sequence change replaces isoleucine, which is neutral and non-polar, with threonine, which is neutral and polar, at codon 1184 of the NOTCH1 protein (p.Ile1184Thr). This variant is not present in population databases (gnomAD no frequency). This variant has not been reported in the literature in individuals affected with NOTCH1-related conditions. ClinVar contains an entry for this variant (Variation ID: 1957041). Invitae Evidence Modeling of protein sequence and biophysical properties (such as structural, functional, and spatial information, amino acid conservation, physicochemical variation, residue mobility, and thermodynamic stability) indicates that this missense variant is not expected to disrupt NOTCH1 protein function with a negative predictive value of 80%. In summary, the available evidence is currently insufficient to determine the role of this variant in disease. Therefore, it has been classified as a Variant of Uncertain Significance.